The following is an entry in ClinVar:

ClinVar aggregate classification (germline): Uncertain significance (1 of 4 stars; one submission).

Conditions:
Cardiovascular phenotype. Identifiers: MedGen CN230736.
Hereditary cancer-predisposing syndrome. Also called: Neoplastic Syndromes, Hereditary; Tumor predisposition; Hereditary Cancer Syndrome; Hereditary neoplastic syndrome. Identifiers: Orphanet 140162, MedGen C0027672, MeSH D009386, MONDO:0015356.

Submission:

Ambry Genetics
Classification: Uncertain significance for Cardiovascular phenotype; Hereditary cancer-predisposing syndrome. Last evaluated: 2021-12-02. Review status: criteria provided, single submitter. Criteria: Ambry Variant Classification Scheme 2023. Collection method: clinical testing. Allele origin: germline.
Comment: The p.Q2803H variant (also known as c.8409A>C), located in coding exon 57 of the NF1 gene, results from an A to C substitution at nucleotide position 8409. The glutamine at codon 2803 is replaced by histidine, an amino acid with highly similar properties. This amino acid position is highly conserved in available vertebrate species. In addition, this alteration is predicted to be tolerated by in silico analysis. Since supporting evidence is limited at this time, the clinical significance of this alteration remains unclear.

NM_001042492.3(NF1):c.8472A>C (p.Gln2824His)

Gene: NF1 (neurofibromin 1; plus strand). Cytogenetic location: 17q11.2.
Variant type: single nucleotide variant.
Coding change: c.8472A>C on transcript NM_001042492.3 (MANE Select); coding-DNA position 8472, A replaced by C.
Protein change: p.Gln2824His; replaces glutamine 2824 with histidine.
Molecular consequence: missense variant.
Genome position (GRCh38, 1-based): chr17:31,374,107, A>C. VCF-style: chr17-31374107-A-C. GRCh37 (hg19) VCF-style: chr17-29701125-A-C.
Other names: c.8409A>C, p.Gln2803His (NM_000267.4); short protein forms Q2824H, Q2803H.
Identifiers: ClinVar variation 1763267 (VCV001763267.2), dbSNP rs2151601534, ClinGen allele CA399206050.